The following is an entry in ClinVar:

NM_000057.4(BLM):c.1784C>A (p.Ser595Ter)

Gene: BLM (BLM RecQ like helicase; plus strand). Cytogenetic location: 15q26.1.
Variant type: single nucleotide variant.
Coding change: c.1784C>A on transcript NM_000057.4 (MANE Select); coding-DNA position 1784, C replaced by A.
Protein change: p.Ser595Ter; replaces serine 595 with a stop codon.
Molecular consequence: nonsense.
Genome position (GRCh38, 1-based): chr15:90,761,157, C>A. VCF-style: chr15-90761157-C-A. GRCh37 (hg19) VCF-style: chr15-91304387-C-A.
Other names: c.1784C>A, p.Ser595Ter (NM_001287246.2, NM_001287247.2); c.659C>A, p.Ser220Ter (NM_001287248.2); short protein forms S220*, S595*.
Identifiers: ClinVar variation 3340249 (VCV003340249.2).

ClinVar aggregate classification (germline): Pathogenic. Review status: criteria provided, multiple submitters, no conflicts (2 of 4 stars). 2 submissions from 2 submitters: Pathogenic (2). Last evaluated 2025-12-10.

Conditions:
Bloom syndrome (BLM). Also called: Bloom-Torre-Machacek syndrome. Identifiers: Orphanet 125, MedGen C0005859, MONDO:0008876, OMIM 210900.

Submissions (2):

Myriad Genetics, Inc.
Classification: Pathogenic for Bloom syndrome. Last evaluated: 2025-12-10. Review status: criteria provided, single submitter. Criteria: Myriad Autosomal Dominant, Autosomal Recessive and X-Linked Classification Criteria (2023). Collection method: clinical testing. Allele origin: unknown.
Comment: This variant is considered pathogenic. This variant creates a termination codon and is predicted to result in premature protein truncation.

GeneDx
Classification: Pathogenic. Last evaluated: 2023-08-30. Review status: criteria provided, single submitter. Criteria: GeneDx Variant Classification Process June 2021. Collection method: clinical testing. Allele origin: germline. Affected: yes.
Comment: Nonsense variant predicted to result in protein truncation or nonsense mediated decay in a gene for which loss of function is a known mechanism of disease; Not observed at significant frequency in large population cohorts (gnomAD); Published functional studies using patient cells demonstrate increased sister chromatid exchange (German et al., 2007; Killen et al., 2012); This variant is associated with the following publications: (PMID: 25525159, 26247052, 17407155, 23110454)